The following is an entry in ClinVar:

NM_001277115.2(DNAH11):c.10690A>G (p.Lys3564Glu)

Gene: DNAH11 (dynein axonemal heavy chain 11; plus strand). Cytogenetic location: 7p15.3.
Variant type: single nucleotide variant.
Coding change: c.10690A>G on transcript NM_001277115.2 (MANE Select); coding-DNA position 10690, A replaced by G.
Protein change: p.Lys3564Glu; replaces lysine 3564 with glutamic acid.
Molecular consequence: missense variant.
Genome position (GRCh38, 1-based): chr7:21,818,338, A>G. VCF-style: chr7-21818338-A-G. GRCh37 (hg19) VCF-style: chr7-21857956-A-G.
Other names: c.10711A>G, p.Lys3571Glu (NM_003777.3); short protein forms K3564E, K3571E.
Identifiers: ClinVar variation 1782623 (VCV001782623.2), dbSNP rs2535362933, ClinGen allele CA366950113.

ClinVar aggregate classification (germline): Uncertain significance (1 of 4 stars; one submission).

Conditions:
Primary ciliary dyskinesia. Also called: Ciliary dyskinesia. Identifiers: Orphanet 244, MedGen C0008780, MONDO:0016575, HP:0012265.

Allele frequency attached by ClinVar (database versions not stated): gnomAD exomes below 0.00001.
gnomAD v4.1: 3 of 1,606,158 alleles (0.00019%); highest among the groups gnomAD compares: South Asian, 0.0023%; no homozygotes.

Submission:

Ambry Genetics
Classification: Uncertain significance for Primary ciliary dyskinesia. Last evaluated: 2017-09-01. Review status: criteria provided, single submitter. Criteria: Ambry Variant Classification Scheme 2023. Collection method: clinical testing. Allele origin: germline.
Comment: The p.K3564E variant (also known as c.10690A>G), located in coding exon 65 of the DNAH11 gene, results from an A to G substitution at nucleotide position 10690. The lysine at codon 3564 is replaced by glutamic acid, an amino acid with similar properties. This amino acid position is not well conserved in available vertebrate species. In addition, this alteration is predicted to be tolerated by in silico analysis. Since supporting evidence is limited at this time, the clinical significance of this alteration remains unclear.